The following is an entry in ClinVar:

ClinVar aggregate classification (germline): Uncertain significance. Review status: criteria provided, multiple submitters, no conflicts (2 of 4 stars). 5 submissions from 5 submitters: Uncertain significance (5). Last evaluated 2024-11-26.

Conditions:
Inborn genetic diseases. Identifiers: MedGen C0950123, MeSH D030342.
MHC class I deficiency 1 (MHC1D1). Also called: HLA CLASS I DEFICIENCY, 1; BARE LYMPHOCYTE SYNDROME, TYPE I; BLS, TYPE I. Identifiers: MedGen C1858266, MONDO:0971006, OMIM 604571.
MHC class I deficiency. Identifiers: Orphanet 34592, MedGen C6024714, MONDO:0011476.

Allele frequency attached by ClinVar (database versions not stated): gnomAD exomes 0.00062 and 0.00106; ExAC 0.00068; gnomAD 0.00072 and 0.00073; 1000 Genomes Project 0.00080; 1000 Genomes Project 30x 0.00094; TOPMed 0.00097; ESP Exome Variant Server 0.00142.

Submissions (5):

Blueprint Genetics
Classification: Uncertain significance. Last evaluated: 2024-11-26. Review status: criteria provided, single submitter. Criteria: ACMG Guidelines, 2015. Collection method: clinical testing. Allele origin: germline.

Ambry Genetics
Classification: Uncertain significance for Inborn genetic diseases. Last evaluated: 2023-12-27. Review status: criteria provided, single submitter. Criteria: Ambry Variant Classification Scheme 2023. Collection method: clinical testing. Allele origin: germline.

Labcorp Genetics (formerly Invitae), Labcorp
Classification: Uncertain significance for MHC class I deficiency 1. Last evaluated: 2022-10-16. Review status: criteria provided, single submitter. Criteria: Invitae Variant Classification Sherloc (09022015). Collection method: clinical testing. Allele origin: germline.
Comment: This sequence change replaces methionine, which is neutral and non-polar, with isoleucine, which is neutral and non-polar, at codon 592 of the TAP2 protein (p.Met592Ile). This variant is present in population databases (rs147150415, gnomAD 0.1%), and has an allele count higher than expected for a pathogenic variant. This variant has not been reported in the literature in individuals affected with TAP2-related conditions. ClinVar contains an entry for this variant (Variation ID: 534713). Algorithms developed to predict the effect of missense changes on protein structure and function are either unavailable or do not agree on the potential impact of this missense change (SIFT: "Tolerated"; PolyPhen-2: "Not Available"; Align-GVGD: "Class C0"). In summary, the available evidence is currently insufficient to determine the role of this variant in disease. Therefore, it has been classified as a Variant of Uncertain Significance.

Fulgent Genetics
Classification: Uncertain significance for MHC class I deficiency 1. Last evaluated: 2021-10-14. Review status: criteria provided, single submitter. Criteria: ACMG Guidelines, 2015. Collection method: clinical testing. Allele origin: unknown.

New York Genome Center
Classification: Uncertain significance for MHC class I deficiency 1. Last evaluated: 2021-03-22. Review status: criteria provided, single submitter. Criteria: NYGC Assertion Criteria 2020. Collection method: clinical testing. Allele origin: inherited. Observed: 1 heterozygote. Study: CSER-NYCKidSeq.

NM_001290043.2(TAP2):c.1776G>A (p.Met592Ile)

Gene: TAP2 (transporter 2, ATP binding cassette subfamily B member; minus strand). Cytogenetic location: 6p21.32.
Variant type: single nucleotide variant.
Coding change: c.1776G>A on transcript NM_001290043.2 (MANE Select); coding-DNA position 1776, G replaced by A.
Protein change: p.Met592Ile; replaces methionine 592 with isoleucine.
Molecular consequence: missense variant.
Genome position (GRCh38, 1-based): chr6:32,829,949, C>T on the plus strand (G>A on the coding strand, the complement: TAP2 is on the minus strand). VCF-style: chr6-32829949-C-T. GRCh37 (hg19) VCF-style: chr6-32797726-C-T.
Other names: c.1776G>A, p.Met592Ile (NM_000544.3, NM_018833.3); c.1776G>A (NM_018833.2); short protein forms M592I.
Identifiers: ClinVar variation 534713 (VCV000534713.12), dbSNP rs147150415, ClinGen allele CA3745804.